The following is an entry in ClinVar:

ClinVar aggregate classification (germline): Uncertain significance (1 of 4 stars; one submission).

Conditions:
Inborn genetic diseases. Identifiers: MedGen C0950123, MeSH D030342.

gnomAD v4.1: 1 of 1,612,964 alleles (0.000062%); highest among the groups gnomAD compares: Non-Finnish European, 0.000085%; no homozygotes.

Submission:

Ambry Genetics
Classification: Uncertain significance for Inborn genetic diseases. Last evaluated: 2025-05-16. Review status: criteria provided, single submitter. Criteria: Ambry Variant Classification Scheme 2023. Collection method: clinical testing. Allele origin: germline.
Comment: The p.L1343P variant (also known as c.4028T>C), located in coding exon 1 of the SAMD9L gene, results from a T to C substitution at nucleotide position 4028. The leucine at codon 1343 is replaced by proline, an amino acid with similar properties. This amino acid position is conserved. In addition, this alteration is predicted to be deleterious by in silico analysis. Based on the available evidence, the clinical significance of this variant remains unclear.

NM_152703.5(SAMD9L):c.4028T>C (p.Leu1343Pro)

Gene: SAMD9L (sterile alpha motif domain containing 9 like; minus strand). Cytogenetic location: 7q21.2.
Variant type: single nucleotide variant.
Coding change: c.4028T>C on transcript NM_152703.5 (MANE Select); coding-DNA position 4028, T replaced by C.
Protein change: p.Leu1343Pro; replaces leucine 1343 with proline.
Molecular consequence: missense variant.
Genome position (GRCh38, 1-based): chr7:93,131,944, A>G on the plus strand (T>C on the coding strand, the complement: SAMD9L is on the minus strand). VCF-style: chr7-93131944-A-G. GRCh37 (hg19) VCF-style: chr7-92761257-A-G.
Other names: c.4028T>C, p.Leu1343Pro (NM_001303496.3, NM_001303497.3, NM_001303498.3 and 5 more transcripts); short protein forms L1343P.
Identifiers: ClinVar variation 3949922 (VCV003949922.1).
Genomic context (GRCh38, chr7:93,131,944, plus strand): 5'-TCATTCACTATACTTTCCATGGTGGTAGCATCTTTGTAGTTTGGATTAAGATATTCCAAG[A>G]GTCCAGCAAACCTATCTGCTCTCAGAGCTTCTAGCTTTTTCCTGCAATTCTCCTCCTGGA-3'
Protein context (NP_689916.2, residues 1333-1353): EALRADRFAG[Leu1343Pro]LEYLNPNYKD